The following is an entry in ClinVar:

ClinVar aggregate classification (germline): Uncertain significance (1 of 4 stars; one submission).

Conditions:
Progressive familial intrahepatic cholestasis type 2. Identifiers: Orphanet 79304, MedGen C3489789, MONDO:0011156, OMIM 601847.

gnomAD v4.1: 5 of 1,611,928 alleles (0.00031%); highest among the groups gnomAD compares: Non-Finnish European, 0.00042%; no homozygotes.

Submission:

3billion
Classification: Uncertain significance for Progressive familial intrahepatic cholestasis type 2. Last evaluated: 2025-10-03. Review status: criteria provided, single submitter. Criteria: ACMG Guidelines, 2015. Collection method: clinical testing. Allele origin: germline. Affected: yes.
Comment: The variant is observed at an extremely low frequency in the gnomAD v4.1.0 dataset (total allele frequency: <0.001%). Predicted Consequence/Location: Intron variant In silico tools predict the variant to alter splicing and produce an abnormal transcript [SpliceAI: 0.64 (>=0.2, moderate evidence for spliceogenicity)]. Therefore, this variant is classified as VUS according to the recommendation of ACMG/AMP guideline.

NM_003742.4(ABCB11):c.99-15T>G

Gene: ABCB11 (ATP binding cassette subfamily B member 11; minus strand). Cytogenetic location: 2q31.1.
Variant type: single nucleotide variant.
Coding change: c.99-15T>G on transcript NM_003742.4 (MANE Select); 15 bases into the intron before coding-DNA position 99, T replaced by G.
Molecular consequence: intron variant.
Genome position (GRCh38, 1-based): chr2:169,014,369, A>C on the plus strand (T>G on the coding strand, the complement: ABCB11 is on the minus strand). VCF-style: chr2-169014369-A-C. GRCh37 (hg19) VCF-style: chr2-169870879-A-C.
Identifiers: ClinVar variation 4855466 (VCV004855466.1).